The following is an entry in ClinVar:

NM_032043.3(BRIP1):c.3218T>C (p.Ile1073Thr)

Gene: BRIP1 (BRCA1 interacting DNA helicase 1; minus strand). Cytogenetic location: 17q23.2.
Variant type: single nucleotide variant.
Coding change: c.3218T>C on transcript NM_032043.3 (MANE Select); coding-DNA position 3218, T replaced by C.
Protein change: p.Ile1073Thr; replaces isoleucine 1073 with threonine.
Molecular consequence: missense variant.
Genome position (GRCh38, 1-based): chr17:61,683,828, A>G on the plus strand (T>C on the coding strand, the complement: BRIP1 is on the minus strand). VCF-style: chr17-61683828-A-G. GRCh37 (hg19) VCF-style: chr17-59761189-A-G.
Other names: short protein forms I1073T.
Identifiers: ClinVar variation 2626380 (VCV002626380.2), dbSNP rs2144084035, ClinGen allele CA400479268.

ClinVar aggregate classification (germline): Uncertain significance (1 of 4 stars; one submission).

Conditions:
Hereditary cancer-predisposing syndrome. Also called: Tumor predisposition; Hereditary Cancer Syndrome; Hereditary neoplastic syndrome; Neoplastic Syndromes, Hereditary. Identifiers: Orphanet 140162, MedGen C0027672, MeSH D009386, MONDO:0015356.

Allele frequency attached by ClinVar (database versions not stated): gnomAD exomes below 0.00001.
gnomAD v4.1: 1 of 1,614,170 alleles (0.000062%); highest among the groups gnomAD compares: South Asian, 0.0011%; no homozygotes.

Submission:

Ambry Genetics
Classification: Uncertain significance for Hereditary cancer-predisposing syndrome. Last evaluated: 2023-08-01. Review status: criteria provided, single submitter. Criteria: Ambry Variant Classification Scheme 2023. Collection method: clinical testing. Allele origin: germline.
Comment: The p.I1073T variant (also known as c.3218T>C), located in coding exon 19 of the BRIP1 gene, results from a T to C substitution at nucleotide position 3218. The isoleucine at codon 1073 is replaced by threonine, an amino acid with similar properties. This amino acid position is not well conserved in available vertebrate species. In addition, this alteration is predicted to be tolerated by in silico analysis. Since supporting evidence is limited at this time, the clinical significance of this alteration remains unclear.